The following is an entry in ClinVar:

NM_032634.4(PIGO):c.1935A>G (p.Thr645=)

Gene: PIGO (phosphatidylinositol glycan anchor biosynthesis class O; minus strand). Cytogenetic location: 9p13.3.
Variant type: single nucleotide variant.
Coding change: c.1935A>G on transcript NM_032634.4 (MANE Select); coding-DNA position 1935, A replaced by G.
Protein change: p.Thr645=; no amino-acid change (threonine 645 retained).
Molecular consequence: synonymous variant. On other transcripts: intron variant (2).
Genome position (GRCh38, 1-based): chr9:35,091,952, T>C on the plus strand (A>G on the coding strand, the complement: PIGO is on the minus strand). VCF-style: chr9-35091952-T-C. GRCh37 (hg19) VCF-style: chr9-35091949-T-C.
Other names: c.1344+591A>G (NM_152850.4, NM_001201484.2).
Identifiers: ClinVar variation 508368 (VCV000508368.9), dbSNP rs138435332, ClinGen allele CA5040539.

ClinVar aggregate classification (germline): Likely benign. Review status: criteria provided, multiple submitters, no conflicts (2 of 4 stars). 2 submissions from 2 submitters: Likely benign (2). Last evaluated 2025-12-22.

Conditions:
Hyperphosphatasia with impaired intellectual development syndrome 2. Also called: GLYCOSYLPHOSPHATIDYLINOSITOL BIOSYNTHESIS DEFECT 6; Hyperphosphatasia with intellectual disability syndrome 2. Identifiers: Orphanet 247262, MedGen C3553637, MONDO:0013882, OMIM 614749.

Allele frequency attached by ClinVar (database versions not stated): TOPMed 0.00005; ExAC 0.00001; gnomAD exomes 0.00004 and 0.00001; gnomAD 0.00003.
gnomAD v4.1: 57 of 1,613,992 alleles (0.0035%); highest among the groups gnomAD compares: Non-Finnish European, 0.0045%; no homozygotes.

Submissions (2):

Labcorp Genetics (formerly Invitae), Labcorp
Classification: Likely benign for Hyperphosphatasia with impaired intellectual development syndrome 2. Last evaluated: 2025-12-22. Review status: criteria provided, single submitter. Criteria: Invitae Variant Classification Sherloc (09022015). Collection method: clinical testing. Allele origin: germline.

GeneDx
Classification: Likely benign. Last evaluated: 2017-03-22. Review status: criteria provided, single submitter. Criteria: GeneDx Variant Classification (06012015). Collection method: clinical testing. Allele origin: germline. Affected: yes.
Comment: This variant is considered likely benign or benign based on one or more of the following criteria: it is a conservative change, it occurs at a poorly conserved position in the protein, it is predicted to be benign by multiple in silico algorithms, and/or has population frequency not consistent with disease.